The following is an entry in ClinVar:

NM_003036.4(SKI):c.1767+1G>C

Gene: SKI (SKI proto-oncogene; plus strand). Cytogenetic location: 1p36.32.
Variant type: single nucleotide variant.
Coding change: c.1767+1G>C on transcript NM_003036.4 (MANE Select); the canonical splice donor site of the intron after coding-DNA position 1767, G replaced by C.
Molecular consequence: splice donor variant.
Genome position (GRCh38, 1-based): chr1:2,304,586, G>C. VCF-style: chr1-2304586-G-C. GRCh37 (hg19) VCF-style: chr1-2236025-G-C.
Identifiers: ClinVar variation 2034466 (VCV002034466.4), dbSNP rs2521495952, ClinGen allele CA337957919.

ClinVar aggregate classification (germline): Uncertain significance (1 of 4 stars; one submission).

Conditions:
Shprintzen-Goldberg syndrome (SGS). Also called: SHPRINTZEN-GOLDBERG CRANIOSYNOSTOSIS SYNDROME; CRANIOSYNOSTOSIS WITH ARACHNODACTYLY AND ABDOMINAL HERNIAS; Marfanoid disorder with craniosynostosis type 1; Marfanoid craniosynostosis syndrome; Shprintzen-Goldberg marfanoid syndrome. Identifiers: Orphanet 2462, MedGen C1321551, MONDO:0008426, OMIM 182212.

Submission:

Labcorp Genetics (formerly Invitae), Labcorp
Classification: Uncertain significance for Shprintzen-Goldberg syndrome. Last evaluated: 2022-10-07. Review status: criteria provided, single submitter. Criteria: Invitae Variant Classification Sherloc (09022015). Collection method: clinical testing. Allele origin: germline.
Comment: This sequence change affects a donor splice site in intron 5 of the SKI gene. It is expected to disrupt RNA splicing. Variants that disrupt the donor or acceptor splice site typically lead to a loss of protein function (PMID: 16199547), however the current clinical and genetic evidence is not sufficient to establish whether loss-of-function variants in SKI cause disease. This variant is not present in population databases (gnomAD no frequency). This variant has not been reported in the literature in individuals affected with SKI-related conditions. Algorithms developed to predict the effect of sequence changes on RNA splicing suggest that this variant may disrupt the consensus splice site. In summary, the available evidence is currently insufficient to determine the role of this variant in disease. Therefore, it has been classified as a Variant of Uncertain Significance.

Literature cited by the submitters: PubMed 16199547.